The following is an entry in ClinVar:

ClinVar aggregate classification (germline): Uncertain significance (1 of 4 stars; one submission).

Submission:

CeGaT Center for Human Genetics Tuebingen
Classification: Uncertain significance. Last evaluated: 2023-07-01. Review status: criteria provided, single submitter. Criteria: CeGaT Center For Human Genetics Tuebingen Variant Classification Criteria Version 2. Collection method: clinical testing. Allele origin: germline. Affected: yes. Observed: 1 variant allele.
Comment: GPC1: PM2

NM_002081.3(GPC1):c.778C>G (p.Leu260Val)

Gene: GPC1 (glypican 1; plus strand). Cytogenetic location: 2q37.3.
Variant type: single nucleotide variant.
Coding change: c.778C>G on transcript NM_002081.3 (MANE Select); coding-DNA position 778, C replaced by G.
Protein change: p.Leu260Val; replaces leucine 260 with valine.
Molecular consequence: missense variant.
Genome position (GRCh38, 1-based): chr2:240,463,407, C>G. VCF-style: chr2-240463407-C-G. GRCh37 (hg19) VCF-style: chr2-241402824-C-G.
Other names: short protein forms L260V.
Identifiers: ClinVar variation 2652089 (VCV002652089.24), dbSNP rs771408100, ClinGen allele CA351290327.